The following is an entry in ClinVar:

ClinVar aggregate classification (germline): Uncertain significance (1 of 4 stars; one submission).

Conditions:
COG1 congenital disorder of glycosylation (CDG2G). Also called: CONGENITAL DISORDER OF GLYCOSYLATION, TYPE IIg; CDG IIg; CDGII/COG1 CEREBROCOSTOMANDIBULAR-LIKE SYNDROME. Identifiers: Orphanet 263508, MedGen C2931011, MONDO:0012637, OMIM 611209.

Submission:

Labcorp Genetics (formerly Invitae), Labcorp
Classification: Uncertain significance for COG1 congenital disorder of glycosylation. Last evaluated: 2022-04-01. Review status: criteria provided, single submitter. Criteria: Invitae Variant Classification Sherloc (09022015). Collection method: clinical testing. Allele origin: germline.
Comment: In summary, the available evidence is currently insufficient to determine the role of this variant in disease. Therefore, it has been classified as a Variant of Uncertain Significance. Algorithms developed to predict the effect of missense changes on protein structure and function (SIFT, PolyPhen-2, Align-GVGD) all suggest that this variant is likely to be disruptive. This variant has not been reported in the literature in individuals affected with COG1-related conditions. This variant is not present in population databases (gnomAD no frequency). This sequence change replaces leucine, which is neutral and non-polar, with valine, which is neutral and non-polar, at codon 217 of the COG1 protein (p.Leu217Val).

NM_018714.3(COG1):c.649C>G (p.Leu217Val)

Gene: COG1 (component of oligomeric golgi complex 1; plus strand). Cytogenetic location: 17q25.1.
Variant type: single nucleotide variant.
Coding change: c.649C>G on transcript NM_018714.3 (MANE Select); coding-DNA position 649, C replaced by G.
Protein change: p.Leu217Val; replaces leucine 217 with valine.
Molecular consequence: missense variant.
Genome position (GRCh38, 1-based): chr17:73,196,988, C>G. VCF-style: chr17-73196988-C-G. GRCh37 (hg19) VCF-style: chr17-71193127-C-G.
Other names: short protein forms L217V.
Identifiers: ClinVar variation 2105181 (VCV002105181.4), dbSNP rs2511078402, ClinGen allele CA400885158.
Genomic context (GRCh38, chr17:73,196,988, plus strand): 5'-TTGCTCAAATGCCAAGGTGTGTCTGACCAAGCTGTGGCCGAGGCCCTGTGCTCTATAATG[C>G]TCTTAGAAGAGAGTTCTCCTCGCCAAGCCCTCACAGACTTCCTGCTGGCCAGAAAGGCAA-3'
Protein context (NP_061184.1, residues 207-227): AVAEALCSIM[Leu217Val]LEESSPRQAL